The following is an entry in ClinVar:

ClinVar aggregate classification (germline): Uncertain significance (1 of 4 stars; one submission).

Conditions:
Inborn genetic diseases. Identifiers: MedGen C0950123, MeSH D030342.

gnomAD v4.1: 2 of 1,456,702 alleles (0.00014%); highest among the groups gnomAD compares: South Asian, 0.0013%; no homozygotes.

Submission:

Ambry Genetics
Classification: Uncertain significance for Inborn genetic diseases. Last evaluated: 2024-12-15. Review status: criteria provided, single submitter. Criteria: Ambry Variant Classification Scheme 2023. Collection method: clinical testing. Allele origin: germline.
Comment: The p.P96T variant (also known as c.286C>A), located in coding exon 1 of the SH2B3 gene, results from a C to A substitution at nucleotide position 286. The proline at codon 96 is replaced by threonine, an amino acid with highly similar properties. This amino acid position is conserved. In addition, this alteration is predicted to be tolerated by in silico analysis. Based on the available evidence, the clinical significance of this variant remains unclear.

NM_005475.3(SH2B3):c.286C>A (p.Pro96Thr)

Gene: SH2B3 (SH2B adaptor protein 3; plus strand). Cytogenetic location: 12q24.12.
Variant type: single nucleotide variant.
Coding change: c.286C>A on transcript NM_005475.3 (MANE Select); coding-DNA position 286, C replaced by A.
Protein change: p.Pro96Thr; replaces proline 96 with threonine.
Molecular consequence: missense variant.
Genome position (GRCh38, 1-based): chr12:111,418,431, C>A. VCF-style: chr12-111418431-C-A. GRCh37 (hg19) VCF-style: chr12-111856235-C-A.
Other names: short protein forms P96T.
Identifiers: ClinVar variation 3795002 (VCV003795002.1).